The following is an entry in ClinVar:

ClinVar aggregate classification (germline): Pathogenic (1 of 4 stars; one submission).

Conditions:
Telangiectasia, hereditary hemorrhagic, type 2 (HHT2). Also called: ACVRL1-Related Hereditary Hemorrhagic Telangiectasia; Telangiectasia, hereditary hemorrhagic, type II. Identifiers: Orphanet 774, MedGen C1838163, MONDO:0010880, OMIM 600376. Disease mechanism: loss of function.

Submission:

Labcorp Genetics (formerly Invitae), Labcorp
Classification: Pathogenic for Telangiectasia, hereditary hemorrhagic, type 2. Last evaluated: 2024-07-16. Review status: criteria provided, single submitter. Criteria: Invitae Variant Classification Sherloc (09022015). Collection method: clinical testing. Allele origin: germline.
Comment: This sequence change creates a premature translational stop signal (p.Trp274*) in the ACVRL1 gene. It is expected to result in an absent or disrupted protein product. Loss-of-function variants in ACVRL1 are known to be pathogenic (PMID: 15879500). This variant is not present in population databases (gnomAD no frequency). This premature translational stop signal has been observed in individual(s) with hereditary hemorrhagic telangiectasia (PMID: 21158752). For these reasons, this variant has been classified as Pathogenic.

Literature cited by the submitters: PubMed 15879500; PubMed 21158752.

NM_000020.3(ACVRL1):c.821G>A (p.Trp274Ter)

Gene: ACVRL1 (activin A receptor like type 1; plus strand). Cytogenetic location: 12q13.13.
Variant type: single nucleotide variant.
Coding change: c.821G>A on transcript NM_000020.3 (MANE Select); coding-DNA position 821, G replaced by A.
Protein change: p.Trp274Ter; replaces tryptophan 274 with a stop codon.
Molecular consequence: nonsense.
Genome position (GRCh38, 1-based): chr12:51,915,273, G>A. VCF-style: chr12-51915273-G-A. GRCh37 (hg19) VCF-style: chr12-52309057-G-A.
Other names: c.821G>A, p.Trp274Ter (NM_001077401.2, NM_001406487.1, NM_001406488.1 and 1 more transcripts); c.509G>A, p.Trp170Ter (NM_001406490.1, NM_001406491.1, NM_001406492.1 and 2 more transcripts); c.257G>A, p.Trp86Ter (NM_001406495.1); short protein forms W86*, W170*, W274*.
Identifiers: ClinVar variation 3656585 (VCV003656585.2).